The following is an entry in ClinVar:

NM_206933.4(USH2A):c.7099G>A (p.Gly2367Arg)

Gene: USH2A (usherin; minus strand). Cytogenetic location: 1q41.
Variant type: single nucleotide variant.
Coding change: c.7099G>A on transcript NM_206933.4 (MANE Select); coding-DNA position 7099, G replaced by A.
Protein change: p.Gly2367Arg; replaces glycine 2367 with arginine.
Molecular consequence: missense variant.
Genome position (GRCh38, 1-based): chr1:215,965,338, C>T on the plus strand (G>A on the coding strand, the complement: USH2A is on the minus strand). VCF-style: chr1-215965338-C-T. GRCh37 (hg19) VCF-style: chr1-216138680-C-T.
Other names: short protein forms G2367R.
Identifiers: ClinVar variation 866563 (VCV000866563.9), dbSNP rs375744536, ClinGen allele CA1394950.

ClinVar aggregate classification (germline): Uncertain significance. Review status: criteria provided, multiple submitters, no conflicts (2 of 4 stars). 5 submissions from 4 submitters: Uncertain significance (5). Last evaluated 2023-11-04.

Conditions:
Retinitis pigmentosa 39 (RP39). Identifiers: Orphanet 791, MedGen C3151138, MONDO:0013436, OMIM 613809.
Inborn genetic diseases. Identifiers: MedGen C0950123, MeSH D030342.
Usher syndrome type 2A. Also called: RETINAL DISEASE IN USHER SYNDROME TYPE IIA, MODIFIER OF; USHER SYNDROME, TYPE IIA. Identifiers: Orphanet 231178, Orphanet 886, MedGen C1848634, MONDO:0010169, OMIM 276901.

Allele frequency attached by ClinVar (database versions not stated): gnomAD exomes 0.00001 and 0.00002; ExAC 0.00002; gnomAD 0.00002; TOPMed 0.00004; ESP Exome Variant Server 0.00008.
gnomAD v4.1: 7 of 1,613,510 alleles (0.00043%); highest among the groups gnomAD compares: African/African-American, 0.0067%; no homozygotes.

Submissions (5):

Genome-Nilou Lab
Classification: Uncertain significance for Retinitis pigmentosa 39. Last evaluated: 2023-11-04. Review status: criteria provided, single submitter. Criteria: ACMG Guidelines, 2015. Collection method: clinical testing. Allele origin: germline. Affected: no.

Genome-Nilou Lab
Classification: Uncertain significance for Usher syndrome type 2A. Last evaluated: 2023-11-04. Review status: criteria provided, single submitter. Criteria: ACMG Guidelines, 2015. Collection method: clinical testing. Allele origin: germline. Affected: no.

Ambry Genetics
Classification: Uncertain significance for Inborn genetic diseases. Last evaluated: 2023-09-14. Review status: criteria provided, single submitter. Criteria: Ambry Variant Classification Scheme 2023. Collection method: clinical testing. Allele origin: germline.

Labcorp Genetics (formerly Invitae), Labcorp
Classification: Uncertain significance. Last evaluated: 2021-11-13. Review status: criteria provided, single submitter. Criteria: Invitae Variant Classification Sherloc (09022015). Collection method: clinical testing. Allele origin: germline.
Comment: This sequence change replaces glycine, which is neutral and non-polar, with arginine, which is basic and polar, at codon 2367 of the USH2A protein (p.Gly2367Arg). This variant is present in population databases (rs375744536, gnomAD 0.02%). This variant has not been reported in the literature in individuals affected with USH2A-related conditions. ClinVar contains an entry for this variant (Variation ID: 866563). Algorithms developed to predict the effect of missense changes on protein structure and function (SIFT, PolyPhen-2, Align-GVGD) all suggest that this variant is likely to be disruptive. Algorithms developed to predict the effect of sequence changes on RNA splicing suggest that this variant may create or strengthen a splice site. In summary, the available evidence is currently insufficient to determine the role of this variant in disease. Therefore, it has been classified as a Variant of Uncertain Significance.

Blueprint Genetics
Classification: Uncertain significance. Last evaluated: 2021-09-29. Review status: criteria provided, single submitter. Criteria: ACMG Guidelines, 2015. Collection method: clinical testing. Allele origin: germline.